The following is an entry in ClinVar:

ClinVar aggregate classification (germline): Pathogenic/Likely pathogenic. Review status: criteria provided, multiple submitters, no conflicts (2 of 4 stars). 2 submissions from 2 submitters: Pathogenic (1); Likely pathogenic (1). Last evaluated 2026-09-08.

Conditions:
Fabry disease. Also called: GLA DEFICIENCY; HEREDITARY DYSTOPIC LIPIDOSIS; Fabry's disease; ALPHA-GALACTOSIDASE A DEFICIENCY; ANDERSON-FABRY DISEASE; CERAMIDE TRIHEXOSIDASE DEFICIENCY. Identifiers: Orphanet 324, MedGen C0002986, MONDO:0010526, OMIM 301500, HP:0001071. Disease mechanism: Fabry disease is due to inactivating mutations in the X-linked GLA gene resulting in deficiency of the enzyme Alpha Galactosidase-A., loss of function.

Submissions (2):

Genomenon, Inc
Classification: Likely pathogenic for Fabry disease. Last evaluated: 2026-09-08. Review status: criteria provided, single submitter. Criteria: Genomenon Sequence Variant Interpretation Standards - Updated. Collection method: curation. Allele origin: germline. Affected: no.
Comment: GLA p.Gln312His (c.936G>C) is a missense variant that changes the amino acid at codon 312 from Glutamine to Histidine. To our knowledge, this variant has not been reported in patients affected with Fabry disease in the published literature. At least one functional study has demonstrated a substantial alteration in protein function relative to the wild-type (PMID:16595074). It is absent or not present at a significant frequency in gnomAD. In silico models predict that this variant is possibly or probably damaging. In conclusion, we classify GLA p.Gln312His (c.936G>C) as a likely pathogenic variant.

3billion
Classification: Pathogenic for Fabry disease. Last evaluated: 2022-09-22. Review status: criteria provided, single submitter. Criteria: ACMG Guidelines, 2015. Collection method: clinical testing. Allele origin: germline. Affected: yes. Observed: 1 heterozygote.
Comment: Different nucleotide change resulting in same amino acid change has been previously reported to be associated with GLA-related disorder (PMID: 16595074). A different missense change at the same codon (p.Gln312Arg) has been reported to be associated with GLA-related disorder (PMID: 18205205). Missense changes are a common disease-causing mechanism. The variant is not observed in the gnomAD v2.1.1 dataset. Functional studies provide strong evidence of the variant having a damaging effect on the gene or gene product (PMID: 27657681). In silico tool predictions suggest damaging effect of the variant on gene or gene product (REVEL: 0.74; 3Cnet: 0.99). Therefore, this variant is classified as pathogenic according to the recommendation of ACMG/AMP guideline.

Literature cited by the submitters: PubMed 16595074 (cited by Genomenon, Inc and 3billion); PubMed 27657681 (cited by 3billion); PubMed 18205205 (cited by 3billion).

NM_000169.3(GLA):c.936G>C (p.Gln312His)

Genes: GLA (galactosidase alpha; minus strand), RPL36A-HNRNPH2 (RPL36A-HNRNPH2 readthrough; plus strand). Cytogenetic location: Xq22.1.
Variant type: single nucleotide variant.
Coding change: c.936G>C on transcript NM_000169.3 (MANE Select); coding-DNA position 936, G replaced by C.
Protein change: p.Gln312His; replaces glutamine 312 with histidine.
Molecular consequence: missense variant. On other transcripts: non-coding transcript variant (3), intron variant (2).
Genome position (GRCh38, 1-based): chrX:101,398,433, C>G on the plus strand (G>C on the coding strand, the complement: GLA is on the minus strand). VCF-style: chrX-101398433-C-G. GRCh37 (hg19) VCF-style: chrX-100653421-C-G.
Other names: c.1059G>C, p.Gln353His (NM_001406747.1); c.936G>C, p.Gln312His (NM_001406748.1); c.300+2976C>G (NM_001199973.2); c.177+6611C>G (NM_001199974.2); short protein forms Q312H, Q353H.
Identifiers: ClinVar variation 1712255 (VCV001712255.3), dbSNP rs570042882, ClinGen allele CA413921800.